The following is an entry in ClinVar:

NM_173560.4(RFX6):c.1235A>T (p.Asp412Val)

Gene: RFX6 (regulatory factor X6; plus strand). Cytogenetic location: 6q22.1.
Variant type: single nucleotide variant.
Coding change: c.1235A>T on transcript NM_173560.4 (MANE Select); coding-DNA position 1235, A replaced by T.
Protein change: p.Asp412Val; replaces aspartic acid 412 with valine.
Molecular consequence: missense variant.
Genome position (GRCh38, 1-based): chr6:116,920,362, A>T. VCF-style: chr6-116920362-A-T. GRCh37 (hg19) VCF-style: chr6-117241525-A-T.
Other names: short protein forms D412V.
Identifiers: ClinVar variation 3345948 (VCV003345948.2).

ClinVar aggregate classification (germline): Uncertain significance. Review status: criteria provided, single submitter (1 of 4 stars). 2 submissions from 2 submitters: Uncertain significance (1). 1 of the submissions does not count toward it. Last evaluated 2025-03-19.

Conditions:
RFX6-related disorder. Also called: RFX6-related condition.

Submissions (2):

Labcorp Genetics (formerly Invitae), Labcorp
Classification: Uncertain significance. Last evaluated: 2025-03-19. Review status: criteria provided, single submitter. Criteria: Invitae Variant Classification Sherloc (09022015). Collection method: clinical testing. Allele origin: germline.
Comment: This sequence change replaces aspartic acid, which is acidic and polar, with valine, which is neutral and non-polar, at codon 412 of the RFX6 protein (p.Asp412Val). This variant is not present in population databases (gnomAD no frequency). This variant has not been reported in the literature in individuals affected with RFX6-related conditions. ClinVar contains an entry for this variant (Variation ID: 3345948). Invitae Evidence Modeling of protein sequence and biophysical properties (such as structural, functional, and spatial information, amino acid conservation, physicochemical variation, residue mobility, and thermodynamic stability) indicates that this missense variant is expected to disrupt RFX6 protein function with a positive predictive value of 80%. In summary, the available evidence is currently insufficient to determine the role of this variant in disease. Therefore, it has been classified as a Variant of Uncertain Significance.

PreventionGenetics, part of Exact Sciences
Classification: Uncertain significance for RFX6-related condition. Last evaluated: 2024-04-09. Review status: no assertion criteria provided. Collection method: clinical testing. Allele origin: germline. Not counted in ClinVar's aggregate classification.
Comment: The RFX6 c.1235A>T variant is predicted to result in the amino acid substitution p.Asp412Val. To our knowledge, this variant has not been reported in the literature or in a large population database, indicating this variant is rare. At this time, the clinical significance of this variant is uncertain due to the absence of conclusive functional and genetic evidence.